The following is an entry in ClinVar:

NM_007272.3(CTRC):c.659T>C (p.Leu220Pro)

Gene: CTRC (chymotrypsin C; plus strand). Cytogenetic location: 1p36.21.
Variant type: single nucleotide variant.
Coding change: c.659T>C on transcript NM_007272.3 (MANE Select); coding-DNA position 659, T replaced by C.
Protein change: p.Leu220Pro; replaces leucine 220 with proline.
Molecular consequence: missense variant.
Genome position (GRCh38, 1-based): chr1:15,445,616, T>C. VCF-style: chr1-15445616-T-C. GRCh37 (hg19) VCF-style: chr1-15772111-T-C.
Other names: short protein forms L220P.
Identifiers: ClinVar variation 3498406 (VCV003498406.1).

ClinVar aggregate classification (germline): Uncertain significance (1 of 4 stars; one submission).

Conditions:
Hereditary pancreatitis (PCTT). Also called: Hereditary chronic pancreatitis; PRSS1-Related Hereditary Pancreatitis. Identifiers: Orphanet 676, MedGen C0238339, MONDO:0008185, OMIM 167800.

Submission:

Ambry Genetics
Classification: Uncertain significance for Hereditary pancreatitis. Last evaluated: 2024-09-21. Review status: criteria provided, single submitter. Criteria: Ambry Variant Classification Scheme 2023. Collection method: clinical testing. Allele origin: germline.
Comment: The p.L220P variant (also known as c.659T>C), located in coding exon 7 of the CTRC gene, results from a T to C substitution at nucleotide position 659. The leucine at codon 220 is replaced by proline, an amino acid with similar properties. This amino acid position is conserved. In addition, this alteration is predicted to be deleterious by in silico analysis. Based on the available evidence, the clinical significance of this variant remains unclear.